The following is an entry in ClinVar:

NM_001130413.4(SCNN1D):c.1398C>T (p.His466=)

Genes: SCNN1D (sodium channel epithelial 1 subunit delta; plus strand), LOC110599576 (CEB15 minisatellite repeat instability region; plus strand). Cytogenetic location: 1p36.33.
Variant type: single nucleotide variant.
Coding change: c.1398C>T on transcript NM_001130413.4 (MANE Select); coding-DNA position 1398, C replaced by T.
Protein change: p.His466=; no amino-acid change (histidine 466 retained).
Molecular consequence: synonymous variant. On other transcripts: non-coding transcript variant (1).
Genome position (GRCh38, 1-based): chr1:1,287,595, C>T. VCF-style: chr1-1287595-C-T. GRCh37 (hg19) VCF-style: chr1-1222975-C-T.
Identifiers: ClinVar variation 2637995 (VCV002637995.24), dbSNP rs147342518, ClinGen allele CA514707.

ClinVar aggregate classification (germline): Likely benign (1 of 4 stars; one submission).

Allele frequency attached by ClinVar (database versions not stated): ESP Exome Variant Server 0.00008; gnomAD 0.00012; ExAC 0.00014; 1000 Genomes Project 30x 0.00016; 1000 Genomes Project 0.00020.

Submission:

CeGaT Center for Human Genetics Tuebingen
Classification: Likely benign. Last evaluated: 2022-07-01. Review status: criteria provided, single submitter. Criteria: CeGaT Center For Human Genetics Tuebingen Variant Classification Criteria Version 2. Collection method: clinical testing. Allele origin: germline. Affected: yes. Observed: 1 variant allele.
Comment: SCNN1D: BP4, BP7